The following is an entry in ClinVar:

ClinVar aggregate classification (germline): Uncertain significance (1 of 4 stars; one submission).

Conditions:
Autosomal dominant polycystic kidney disease. Identifiers: Orphanet 730, MedGen C0085413, MONDO:0004691.

Allele frequency attached by ClinVar (database versions not stated): gnomAD exomes below 0.00001.
gnomAD v4.1: 4 of 1,509,126 alleles (0.00027%); highest among the groups gnomAD compares: Non-Finnish European, 0.00026%; no homozygotes.

Submission:

Labcorp Genetics (formerly Invitae), Labcorp
Classification: Uncertain significance for Autosomal dominant polycystic kidney disease. Last evaluated: 2023-11-27. Review status: criteria provided, single submitter. Criteria: Invitae Variant Classification Sherloc (09022015). Collection method: clinical testing. Allele origin: germline.
Comment: This sequence change falls in intron 1 of the PKD2 gene. It does not directly change the encoded amino acid sequence of the PKD2 protein. It affects a nucleotide within the consensus splice site. This variant is not present in population databases (gnomAD no frequency). This variant has not been reported in the literature in individuals affected with PKD2-related conditions. Variants that disrupt the consensus splice site are a relatively common cause of aberrant splicing (PMID: 17576681, 9536098). Algorithms developed to predict the effect of sequence changes on RNA splicing suggest that this variant may disrupt the consensus splice site. In summary, the available evidence is currently insufficient to determine the role of this variant in disease. Therefore, it has been classified as a Variant of Uncertain Significance.

Literature cited by the submitters: PubMed 17576681; PubMed 9536098.

NM_000297.4(PKD2):c.595+3A>G

Gene: PKD2 (polycystin 2, transient receptor potential cation channel; plus strand). Cytogenetic location: 4q22.1.
Variant type: single nucleotide variant.
Coding change: c.595+3A>G on transcript NM_000297.4 (MANE Select); 3 bases into the intron after coding-DNA position 595, A replaced by G.
Molecular consequence: intron variant.
Genome position (GRCh38, 1-based): chr4:88,008,331, A>G. VCF-style: chr4-88008331-A-G. GRCh37 (hg19) VCF-style: chr4-88929483-A-G.
Identifiers: ClinVar variation 2753634 (VCV002753634.3), dbSNP rs1331405684, ClinGen allele CA552866417.